The following is an entry in ClinVar:

NM_001282531.3(ADNP):c.800C>A (p.Pro267His)

Gene: ADNP (activity dependent neuroprotector homeobox; minus strand). Cytogenetic location: 20q13.13.
Variant type: single nucleotide variant.
Coding change: c.800C>A on transcript NM_001282531.3 (MANE Select); coding-DNA position 800, C replaced by A.
Protein change: p.Pro267His; replaces proline 267 with histidine.
Molecular consequence: missense variant.
Genome position (GRCh38, 1-based): chr20:50,893,914, G>T on the plus strand (C>A on the coding strand, the complement: ADNP is on the minus strand). VCF-style: chr20-50893914-G-T. GRCh37 (hg19) VCF-style: chr20-49510451-G-T.
Other names: c.800C>A, p.Pro267His (NM_001282532.2, NM_001347511.2, NM_015339.5 and 1 more transcripts); short protein forms P267H.
Identifiers: ClinVar variation 2228244 (VCV002228244.5), dbSNP rs2515589527, ClinGen allele CA408975769.
Genomic context (GRCh38, chr20:50,893,914, plus strand): 5'-ATCCTTGGTGGGAGTCCCATGCTCTTCTTGTCTTGAGGTTTGGGAGCAATTAGCATCAAG[G>T]GTTTGGATCGGGGAACCACTACATTTGTGTGCCCAATCATGGCAGTGACCTGATAGCCTA-3'
Protein context (NP_001269460.1, residues 257-277): HTNVVVPRSK[Pro267His]LMLIAPKPQD

ClinVar aggregate classification (germline): Uncertain significance. Review status: criteria provided, multiple submitters, no conflicts (2 of 4 stars). 2 submissions from 2 submitters: Uncertain significance (2). Last evaluated 2023-09-10.

Conditions:
Inborn genetic diseases. Identifiers: MedGen C0950123, MeSH D030342.

Submissions (2):

Labcorp Genetics (formerly Invitae), Labcorp
Classification: Uncertain significance. Last evaluated: 2023-09-10. Review status: criteria provided, single submitter. Criteria: Invitae Variant Classification Sherloc (09022015). Collection method: clinical testing. Allele origin: germline.
Comment: In summary, the available evidence is currently insufficient to determine the role of this variant in disease. Therefore, it has been classified as a Variant of Uncertain Significance. An algorithm developed to predict the effect of missense changes on protein structure and function (PolyPhen-2) suggests that this variant is likely to be disruptive. ClinVar contains an entry for this variant (Variation ID: 2228244). This missense change has been observed in individual(s) with clinical features of Helsmoortel-Van der Aa syndrome (Invitae). This variant is not present in population databases (gnomAD no frequency). This sequence change replaces proline, which is neutral and non-polar, with histidine, which is basic and polar, at codon 267 of the ADNP protein (p.Pro267His).

Ambry Genetics
Classification: Uncertain significance for Inborn genetic diseases. Last evaluated: 2020-11-30. Review status: criteria provided, single submitter. Criteria: Ambry Variant Classification Scheme 2023. Collection method: clinical testing. Allele origin: germline.
Comment: The c.800C>A (p.P267H) alteration is located in exon 5 (coding exon 3) of the ADNP gene. This alteration results from a C to A substitution at nucleotide position 800, causing the proline (P) at amino acid position 267 to be replaced by a histidine (H). The in silico prediction for the p.P267H alteration is inconclusive. Based on insufficient or conflicting evidence, the clinical significance of this alteration remains unclear.